The following is an entry in ClinVar:

ClinVar aggregate classification (germline): Uncertain significance (1 of 4 stars; one submission).

Conditions:
SH2B1-related disorder. Also called: SH2B1-related condition.

gnomAD v4.1: 75 of 1,613,902 alleles (0.0046%); highest among the groups gnomAD compares: Non-Finnish European, 0.006%; no homozygotes.

Submission:

PreventionGenetics, part of Exact Sciences
Classification: Uncertain significance for SH2B1-related condition. Last evaluated: 2026-03-26. Review status: criteria provided, single submitter. Criteria: ACMG Guidelines, 2015. Collection method: clinical testing. Allele origin: germline.
Comment: The SH2B1 c.1162A>G variant is predicted to result in the amino acid substitution p.Met388Val. This variant has been reported in an individual with obesity (Flores et al. 2019. PubMed ID: 31439647). This variant is reported in 0.0026% of alleles in individuals of European (Non-Finnish) descent in gnomAD. At this time, the clinical significance of this variant is uncertain due to the absence of conclusive functional and genetic evidence.

NM_001387430.1(SH2B1):c.1162A>G (p.Met388Val)

Gene: SH2B1 (SH2B adaptor protein 1; plus strand). Cytogenetic location: 16p11.2.
Variant type: single nucleotide variant.
Coding change: c.1162A>G on transcript NM_001387430.1 (MANE Select); coding-DNA position 1162, A replaced by G.
Protein change: p.Met388Val; replaces methionine 388 with valine.
Molecular consequence: missense variant.
Genome position (GRCh38, 1-based): chr16:28,869,236, A>G. VCF-style: chr16-28869236-A-G. GRCh37 (hg19) VCF-style: chr16-28880557-A-G.
Other names: c.1162A>G, p.Met388Val (NM_001145795.2, NM_001145796.2, NM_001145797.2 and 4 more transcripts); c.154A>G, p.Met52Val (NM_001308294.2); short protein forms M52V, M388V.
Identifiers: ClinVar variation 4986888 (VCV004986888.1).